The following is an entry in ClinVar:

NM_058216.3(RAD51C):c.434C>T (p.Pro145Leu)

Gene: RAD51C (RAD51 paralog C; plus strand). Cytogenetic location: 17q22.
Variant type: single nucleotide variant.
Coding change: c.434C>T on transcript NM_058216.3 (MANE Select); coding-DNA position 434, C replaced by T.
Protein change: p.Pro145Leu; replaces proline 145 with leucine.
Molecular consequence: missense variant.
Genome position (GRCh38, 1-based): chr17:58,696,722, C>T. VCF-style: chr17-58696722-C-T. GRCh37 (hg19) VCF-style: chr17-56774083-C-T.
Other names: short protein forms P145L.
Identifiers: ClinVar variation 1042411 (VCV001042411.9), dbSNP rs1291341143, ClinGen allele CA400344095.

ClinVar aggregate classification (germline): Uncertain significance. Review status: criteria provided, multiple submitters, no conflicts (2 of 4 stars). 2 submissions from 2 submitters: Uncertain significance (2). Last evaluated 2025-08-29.

Conditions:
Fanconi anemia complementation group O. Also called: RAD51C-Related Fanconi Anemia. Identifiers: Orphanet 84, MedGen C3150653, MONDO:0013248, OMIM 613390.
Hereditary cancer-predisposing syndrome. Also called: Hereditary neoplastic syndrome; Neoplastic Syndromes, Hereditary; Tumor predisposition; Hereditary Cancer Syndrome. Identifiers: Orphanet 140162, MedGen C0027672, MeSH D009386, MONDO:0015356.

Allele frequency attached by ClinVar (database versions not stated): gnomAD exomes below 0.00001; gnomAD 0.00001.
gnomAD v4.1: 2 of 1,613,960 alleles (0.00012%); highest among the groups gnomAD compares: African/African-American, 0.0013%; no homozygotes.

Submissions (2):

Labcorp Genetics (formerly Invitae), Labcorp
Classification: Uncertain significance for Fanconi anemia complementation group O. Last evaluated: 2025-08-29. Review status: criteria provided, single submitter. Criteria: Invitae Variant Classification Sherloc (09022015). Collection method: clinical testing. Allele origin: germline.
Comment: This sequence change replaces proline, which is neutral and non-polar, with leucine, which is neutral and non-polar, at codon 145 of the RAD51C protein (p.Pro145Leu). This variant is present in population databases (no rsID available, gnomAD 0.01%). This variant has not been reported in the literature in individuals affected with RAD51C-related conditions. ClinVar contains an entry for this variant (Variation ID: 1042411). Invitae Evidence Modeling of protein sequence and biophysical properties (such as structural, functional, and spatial information, amino acid conservation, physicochemical variation, residue mobility, and thermodynamic stability) indicates that this missense variant is expected to disrupt RAD51C protein function with a positive predictive value of 80%. In summary, the available evidence is currently insufficient to determine the role of this variant in disease. Therefore, it has been classified as a Variant of Uncertain Significance.

Color Diagnostics, LLC DBA Color Health
Classification: Uncertain significance for Hereditary cancer-predisposing syndrome. Last evaluated: 2023-10-26. Review status: criteria provided, single submitter. Criteria: ACMG Guidelines, 2015. Collection method: clinical testing. Allele origin: germline.
Comment: This missense variant replaces proline with leucine at codon 145 of the RAD51C protein. Computational prediction suggests that this variant may have deleterious impact on protein structure and function (internally defined REVEL score threshold >= 0.7, PMID: 27666373). To our knowledge, functional studies have not been reported for this variant. This variant has not been reported in individuals affected with RAD51C-related disorders in the literature. This variant has been identified in 1/31386 chromosomes in the general population by the Genome Aggregation Database (gnomAD). The available evidence is insufficient to determine the role of this variant in disease conclusively. Therefore, this variant is classified as a Variant of Uncertain Significance.